The following is an entry in ClinVar:

ClinVar aggregate classification (germline): Pathogenic. Review status: criteria provided, multiple submitters, no conflicts (2 of 4 stars). 2 submissions from 2 submitters: Pathogenic (2). Last evaluated 2025-06-26.

Conditions:
Intellectual developmental disorder, autosomal dominant 6, with or without seizures. Also called: Intellectual disability, autosomal dominant 6; GRIN2B-related developmental delay, intellectual disability and autism spectrum disorder. Identifiers: Orphanet 589547, MedGen C3151411, MONDO:0013509, OMIM 613970.

Submissions (2):

Institute of Human Genetics, University of Leipzig Medical Center
Classification: Pathogenic for Intellectual developmental disorder, autosomal dominant 6, with or without seizures. Last evaluated: 2025-06-26. Review status: criteria provided, single submitter. Criteria: ACMG Guidelines, 2015. Collection method: clinical testing. Allele origin: de novo. Inheritance: Autosomal dominant inheritance. Affected: yes.
Comment: Criteria applied: PM2,PM5,PP2,PS2,PS3_SUP,PS4_MOD

Genomic Diagnostic Laboratory, Division of Genomic Diagnostics, Children's Hospital of Philadelphia
Classification: Pathogenic. Last evaluated: 2015-06-11. Review status: criteria provided, single submitter. Criteria: DGD Variant Analysis Guidelines. Collection method: clinical testing. Allele origin: unknown.

NM_000834.5(GRIN2B):c.2430C>A (p.Ser810Arg)

Gene: GRIN2B (glutamate ionotropic receptor NMDA type subunit 2B; minus strand). Cytogenetic location: 12p13.1.
Variant type: single nucleotide variant.
Coding change: c.2430C>A on transcript NM_000834.5 (MANE Select); coding-DNA position 2430, C replaced by A.
Protein change: p.Ser810Arg; replaces serine 810 with arginine.
Molecular consequence: missense variant.
Genome position (GRCh38, 1-based): chr12:13,567,193, G>T on the plus strand (C>A on the coding strand, the complement: GRIN2B is on the minus strand). VCF-style: chr12-13567193-G-T. GRCh37 (hg19) VCF-style: chr12-13720127-G-T.
Other names: short protein forms S810R.
Identifiers: ClinVar variation 218471 (VCV000218471.3), dbSNP rs864309560, ClinGen allele CA249270.